The following is an entry in ClinVar:

NM_001291303.3(FAT4):c.960G>A (p.Ser320=)

Gene: FAT4 (FAT atypical cadherin 4; plus strand). Cytogenetic location: 4q28.1.
Variant type: single nucleotide variant.
Coding change: c.960G>A on transcript NM_001291303.3 (MANE Select); coding-DNA position 960, G replaced by A.
Protein change: p.Ser320=; no amino-acid change (serine 320 retained).
Molecular consequence: synonymous variant.
Genome position (GRCh38, 1-based): chr4:125,317,371, G>A. VCF-style: chr4-125317371-G-A. GRCh37 (hg19) VCF-style: chr4-126238526-G-A.
Other names: c.960G>A, p.Ser320= (NM_001291285.3, NM_024582.6).
Identifiers: ClinVar variation 391002 (VCV000391002.1), dbSNP rs1057523940, ClinGen allele CA16604687.

ClinVar aggregate classification (germline): Likely benign (1 of 4 stars; one submission).

Allele frequency attached by ClinVar (database versions not stated): TOPMed below 0.00001; gnomAD exomes below 0.00001; gnomAD 0.00001.
gnomAD v4.1: 5 of 1,613,278 alleles (0.00031%); highest among the groups gnomAD compares: African/African-American, 0.0067%; no homozygotes.

Submission:

GeneDx
Classification: Likely benign. Last evaluated: 2016-11-22. Review status: criteria provided, single submitter. Criteria: GeneDx Variant Classification (06012015). Collection method: clinical testing. Allele origin: germline. Affected: yes.
Comment: This variant is considered likely benign or benign based on one or more of the following criteria: it is a conservative change, it occurs at a poorly conserved position in the protein, it is predicted to be benign by multiple in silico algorithms, and/or has population frequency not consistent with disease.